The following is an entry in ClinVar:

ClinVar aggregate classification (germline): Likely benign. Review status: criteria provided, multiple submitters, no conflicts (2 of 4 stars). 3 submissions from 3 submitters: Likely benign (2). 1 of the submissions does not count toward it. Last evaluated 2023-04-24.

Conditions:
Hereditary cancer-predisposing syndrome. Also called: Tumor predisposition; Hereditary Cancer Syndrome; Hereditary neoplastic syndrome; Neoplastic Syndromes, Hereditary. Identifiers: Orphanet 140162, MedGen C0027672, MeSH D009386, MONDO:0015356.
Tumor predisposition syndrome 3 (TPDS3). Also called: Melanoma, cutaneous malignant, susceptibility to, 10; Glioma susceptibility 9; LONG TELOMERE SYNDROME, POT1-RELATED; POT1 Tumor Predisposition. Identifiers: Orphanet 618, MedGen C4014476, MONDO:0014368, OMIM 615848.
POT1-related disorder. Also called: POT1-related condition.

Allele frequency attached by ClinVar (database versions not stated): TOPMed below 0.00001; gnomAD 0.00001.
gnomAD v4.1: 1 of 1,613,830 alleles (0.000062%); highest among the groups gnomAD compares: East Asian, 0.0022%; no homozygotes.

Submissions (3):

Labcorp Genetics (formerly Invitae), Labcorp
Classification: Likely benign for Tumor predisposition syndrome 3. Last evaluated: 2023-04-24. Review status: criteria provided, single submitter. Criteria: Invitae Variant Classification Sherloc (09022015). Collection method: clinical testing. Allele origin: germline.

Ambry Genetics
Classification: Likely benign for Hereditary cancer-predisposing syndrome. Last evaluated: 2021-12-09. Review status: criteria provided, single submitter. Criteria: Ambry Variant Classification Scheme 2023. Collection method: clinical testing. Allele origin: germline.

PreventionGenetics, part of Exact Sciences
Classification: Likely benign for POT1-related condition. Last evaluated: 2022-01-06. Review status: no assertion criteria provided. Collection method: clinical testing. Allele origin: germline. Not counted in ClinVar's aggregate classification.
Comment: This variant is classified as likely benign based on ACMG/AMP sequence variant interpretation guidelines (Richards et al. 2015 PMID: 25741868, with internal and published modifications).

NM_015450.3(POT1):c.1473A>G (p.Pro491=)

Gene: POT1 (protection of telomeres 1; minus strand). Cytogenetic location: 7q31.33.
Variant type: single nucleotide variant.
Coding change: c.1473A>G on transcript NM_015450.3 (MANE Select); coding-DNA position 1473, A replaced by G.
Protein change: p.Pro491=; no amino-acid change (proline 491 retained).
Molecular consequence: synonymous variant. On other transcripts: non-coding transcript variant (3).
Genome position (GRCh38, 1-based): chr7:124,835,311, T>C on the plus strand (A>G on the coding strand, the complement: POT1 is on the minus strand). VCF-style: chr7-124835311-T-C. GRCh37 (hg19) VCF-style: chr7-124475365-T-C.
Other names: c.1080A>G, p.Pro360= (NM_001042594.2).
Identifiers: ClinVar variation 1125265 (VCV001125265.13), dbSNP rs1307654827, ClinGen allele CA457469813.